The following is an entry in ClinVar:

NM_018076.5(ODAD2):c.1108A>C (p.Ser370Arg)

Gene: ODAD2 (outer dynein arm docking complex subunit 2; minus strand). Cytogenetic location: 10p12.1.
Variant type: single nucleotide variant.
Coding change: c.1108A>C on transcript NM_018076.5 (MANE Select); coding-DNA position 1108, A replaced by C.
Protein change: p.Ser370Arg; replaces serine 370 with arginine.
Molecular consequence: missense variant. On other transcripts: intron variant (1).
Genome position (GRCh38, 1-based): chr10:27,971,142, T>G on the plus strand (A>C on the coding strand, the complement: ODAD2 is on the minus strand). VCF-style: chr10-27971142-T-G. GRCh37 (hg19) VCF-style: chr10-28260071-T-G.
Other names: c.1108A>C, p.Ser370Arg (NM_001290020.2); c.184A>C, p.Ser62Arg (NM_001312689.2); c.-187-9427A>C (NM_001290021.2); c.1108A>C (NM_018076.2); short protein forms S370R, S62R.
Identifiers: ClinVar variation 2413746 (VCV002413746.8), dbSNP rs149958990, ClinGen allele CA5453637.

ClinVar aggregate classification (germline): Uncertain significance. Review status: criteria provided, multiple submitters, no conflicts (2 of 4 stars). 2 submissions from 2 submitters: Uncertain significance (2). Last evaluated 2023-01-23.

Conditions:
Primary ciliary dyskinesia. Also called: Ciliary dyskinesia. Identifiers: Orphanet 244, MedGen C0008780, MONDO:0016575, HP:0012265.
Primary ciliary dyskinesia 23 (CILD23). Also called: CILIARY DYSKINESIA, PRIMARY, 23, WITH OR WITHOUT SITUS INVERSUS. Identifiers: Orphanet 244, MedGen C3809548, MONDO:0014193, OMIM 615451.

Allele frequency attached by ClinVar (database versions not stated): ExAC 0.00001; TOPMed 0.00001; gnomAD 0.00002; ESP Exome Variant Server 0.00008.
gnomAD v4.1: 3 of 1,613,848 alleles (0.00019%); highest among the groups gnomAD compares: African/African-American, 0.004%; no homozygotes.

Submissions (2):

Ambry Genetics
Classification: Uncertain significance for Primary ciliary dyskinesia. Last evaluated: 2023-01-23. Review status: criteria provided, single submitter. Criteria: Ambry Variant Classification Scheme 2023. Collection method: clinical testing. Allele origin: germline.

Labcorp Genetics (formerly Invitae), Labcorp
Classification: Uncertain significance for Primary ciliary dyskinesia 23. Last evaluated: 2022-11-01. Review status: criteria provided, single submitter. Criteria: Invitae Variant Classification Sherloc (09022015). Collection method: clinical testing. Allele origin: germline.
Comment: This sequence change replaces serine, which is neutral and polar, with arginine, which is basic and polar, at codon 370 of the ARMC4 protein (p.Ser370Arg). In summary, the available evidence is currently insufficient to determine the role of this variant in disease. Therefore, it has been classified as a Variant of Uncertain Significance. Algorithms developed to predict the effect of missense changes on protein structure and function are either unavailable or do not agree on the potential impact of this missense change (SIFT: "Deleterious"; PolyPhen-2: "Benign"; Align-GVGD: "Class C0"). This variant has not been reported in the literature in individuals affected with ARMC4-related conditions. This variant is present in population databases (rs149958990, gnomAD 0.008%).